The following is an entry in ClinVar:

NM_001367561.1(DOCK7):c.1144A>G (p.Ser382Gly)

Gene: DOCK7 (dedicator of cytokinesis 7; minus strand). Cytogenetic location: 1p31.3.
Variant type: single nucleotide variant.
Coding change: c.1144A>G on transcript NM_001367561.1 (MANE Select); coding-DNA position 1144, A replaced by G.
Protein change: p.Ser382Gly; replaces serine 382 with glycine.
Molecular consequence: missense variant.
Genome position (GRCh38, 1-based): chr1:62,631,378, T>C on the plus strand (A>G on the coding strand, the complement: DOCK7 is on the minus strand). VCF-style: chr1-62631378-T-C. GRCh37 (hg19) VCF-style: chr1-63097049-T-C.
Other names: c.1144A>G, p.Ser382Gly (NM_001271999.2, NM_001272000.2, NM_001272001.2 and 3 more transcripts); short protein forms S382G.
Identifiers: ClinVar variation 1015457 (VCV001015457.11), dbSNP rs1654606951, ClinGen allele CA340619124.
Genomic context (GRCh38, chr1:62,631,378, plus strand): 5'-CAGTCCAAGCAAAAGGCATGCGATATTTCCCAAGTCTTTGGCAAAACTGATCTGCTTGAC[T>C]CTTCAGTTTCTCCAGTTTTTCTTTATTCTGCAAAACAGAACTTTATACATTATATGATTA-3'
Protein context (NP_001354490.1, residues 372-392): KNKEKLEKLK[Ser382Gly]QADQFCQRLG

ClinVar aggregate classification (germline): Uncertain significance (1 of 4 stars; one submission).

Conditions:
Developmental and epileptic encephalopathy, 23 (DEE23). Also called: Epileptic encephalopathy, early infantile, 23. Identifiers: Orphanet 411986, MedGen C4014492, MONDO:0014371, OMIM 615859.

Submission:

Labcorp Genetics (formerly Invitae), Labcorp
Classification: Uncertain significance for Developmental and epileptic encephalopathy, 23. Last evaluated: 2020-03-31. Review status: criteria provided, single submitter. Criteria: Invitae Variant Classification Sherloc (09022015). Collection method: clinical testing. Allele origin: germline.
Comment: This sequence change replaces serine with glycine at codon 382 of the DOCK7 protein (p.Ser382Gly). The serine residue is moderately conserved and there is a small physicochemical difference between serine and glycine. Algorithms developed to predict the effect of missense changes on protein structure and function (SIFT, PolyPhen-2, Align-GVGD) all suggest that this variant is likely to be tolerated, but these predictions have not been confirmed by published functional studies and their clinical significance is uncertain. This variant has not been reported in the literature in individuals with DOCK7-related conditions. This variant is not present in population databases (ExAC no frequency). In summary, the available evidence is currently insufficient to determine the role of this variant in disease. Therefore, it has been classified as a Variant of Uncertain Significance.